The following is an entry in ClinVar:

NM_001365951.3(KIF1B):c.1038-5del

Gene: KIF1B (kinesin family member 1B; plus strand). Cytogenetic location: 1p36.22.
Variant type: Deletion.
Coding change: c.1038-5del on transcript NM_001365951.3 (MANE Select); 5 bases into the intron before coding-DNA position 1038, one base deleted (T; older notation c.1038-5delT).
Molecular consequence: intron variant.
Genome position (GRCh38, 1-based): chr1:10,277,981, T deleted. VCF-style (leftmost placement, unchanged base first): chr1-10277980-AT-A. GRCh37 (hg19) VCF-style: chr1-10338038-AT-A.
Other names: c.1020-5del (NM_183416.4, NM_015074.3, NM_001365953.1); c.1038-5del (NM_001365952.1).
Identifiers: ClinVar variation 291510 (VCV000291510.15), dbSNP rs886044976, ClinGen allele CA10607211.

ClinVar aggregate classification (germline): Conflicting classifications of pathogenicity. Review status: criteria provided, conflicting classifications (1 of 4 stars). 2 submissions from 2 submitters: Uncertain significance (1); Likely benign (1). Last evaluated 2024-08-15.

Conditions:
Charcot-Marie-Tooth disease type 2. Also called: Charcot-Marie-Tooth type 2. Identifiers: Orphanet 64746, MedGen C0270914, MONDO:0018993.

Allele frequency attached by ClinVar (database versions not stated): gnomAD exomes 0.00001.

Submissions (2):

Labcorp Genetics (formerly Invitae), Labcorp
Classification: Likely benign for Charcot-Marie-Tooth disease type 2. Last evaluated: 2024-08-15. Review status: criteria provided, single submitter. Criteria: Invitae Variant Classification Sherloc (09022015). Collection method: clinical testing. Allele origin: germline.

Ambry Genetics
Classification: Uncertain significance. Last evaluated: 2024-01-16. Review status: criteria provided, single submitter. Criteria: Ambry Variant Classification Scheme 2023. Collection method: clinical testing. Allele origin: germline.
Comment: The c.1020-5delT intronic variant, located in intron 10 of the KIF1B gene, results from a deletion of one nucleotide within intron 10 of the KIF1B gene. This nucleotide position is well conserved in available vertebrate species. In silico splice site analysis predicts that this alteration will not have any significant effect on splicing. The evidence for this gene-disease relationship is limited; therefore, the clinical significance of this alteration is unclear.